The following is an entry in ClinVar:

NM_022041.4(GAN):c.1101C>A (p.Phe367Leu)

Gene: GAN (gigaxonin; plus strand). Cytogenetic location: 16q23.2.
Variant type: single nucleotide variant.
Coding change: c.1101C>A on transcript NM_022041.4 (MANE Select); coding-DNA position 1101, C replaced by A.
Protein change: p.Phe367Leu; replaces phenylalanine 367 with leucine.
Molecular consequence: missense variant.
Genome position (GRCh38, 1-based): chr16:81,363,808, C>A. VCF-style: chr16-81363808-C-A. GRCh37 (hg19) VCF-style: chr16-81397413-C-A.
Other names: c.462C>A, p.Phe154Leu (NM_001377486.1); short protein forms F154L, F367L.
Identifiers: ClinVar variation 2076506 (VCV002076506.4), dbSNP rs142479585, ClinGen allele CA396890473.
Genomic context (GRCh38, chr16:81,363,808, plus strand): 5'-ATGATCATTGGCCTTGTGTGTTCAGGGATCGCTAATGTAATTTCAGGCAAGACATAACTT[C>A]GGAATTGTGGAGATAGATGGGATGCTGTACATTTTGGGAGGAGAGGATGGTGAAAAGGAG-3'
Protein context (NP_071324.1, residues 357-377): LPPMNEARHN[Phe367Leu]GIVEIDGMLY

ClinVar aggregate classification (germline): Uncertain significance (1 of 4 stars; one submission).

Conditions:
Giant axonal neuropathy 1 (GAN1). Also called: GIANT AXONAL NEUROPATHY 1, AUTOSOMAL RECESSIVE; GAN-Related Neurodegeneration. Identifiers: Orphanet 643, MedGen C1850386, MONDO:0009749, OMIM 256850.

gnomAD v4.1: 4 of 1,613,668 alleles (0.00025%); highest among the groups gnomAD compares: Non-Finnish European, 0.00034%; no homozygotes.

Submission:

Labcorp Genetics (formerly Invitae), Labcorp
Classification: Uncertain significance for Giant axonal neuropathy 1. Last evaluated: 2022-01-06. Review status: criteria provided, single submitter. Criteria: Invitae Variant Classification Sherloc (09022015). Collection method: clinical testing. Allele origin: germline.
Comment: In summary, the available evidence is currently insufficient to determine the role of this variant in disease. Therefore, it has been classified as a Variant of Uncertain Significance. Algorithms developed to predict the effect of missense changes on protein structure and function are either unavailable or do not agree on the potential impact of this missense change (SIFT: "Tolerated"; PolyPhen-2: "Possibly Damaging"; Align-GVGD: "Class C0"). This variant has not been reported in the literature in individuals affected with GAN-related conditions. This variant is not present in population databases (gnomAD no frequency). This sequence change replaces phenylalanine, which is neutral and non-polar, with leucine, which is neutral and non-polar, at codon 367 of the GAN protein (p.Phe367Leu).